The following is an entry in ClinVar:

NM_001287.6(CLCN7):c.738+6A>G

Gene: CLCN7 (chloride voltage-gated channel 7; minus strand). Cytogenetic location: 16p13.3.
Variant type: single nucleotide variant.
Coding change: c.738+6A>G on transcript NM_001287.6 (MANE Select); 6 bases into the intron after coding-DNA position 738, A replaced by G.
Molecular consequence: intron variant.
Genome position (GRCh38, 1-based): chr16:1,457,688, T>C on the plus strand (A>G on the coding strand, the complement: CLCN7 is on the minus strand). VCF-style: chr16-1457688-T-C. GRCh37 (hg19) VCF-style: chr16-1507689-T-C.
Other names: c.666+6A>G (NM_001114331.3).
Identifiers: ClinVar variation 2811080 (VCV002811080.3), dbSNP rs780120728, ClinGen allele CA2739269839.
Genomic context (GRCh38, chr16:1,457,688, plus strand): 5'-CGTGGCGGCCCTCGCGGGCCCGGCGGCCTCAGGCTCCAGCTGGAGTGGCCATGTGCACTT[T>C]GTTACCTTTCCCACGGCCAGGCCCCCGACCACGGACAGGATCACACCGGACACTTTGATC-3'

ClinVar aggregate classification (germline): Uncertain significance (1 of 4 stars; one submission).

Submission:

Labcorp Genetics (formerly Invitae), Labcorp
Classification: Uncertain significance. Last evaluated: 2023-07-24. Review status: criteria provided, single submitter. Criteria: Invitae Variant Classification Sherloc (09022015). Collection method: clinical testing. Allele origin: germline.
Comment: In summary, the available evidence is currently insufficient to determine the role of this variant in disease. Therefore, it has been classified as a Variant of Uncertain Significance. Variants that disrupt the consensus splice site are a relatively common cause of aberrant splicing (PMID: 17576681, 9536098). Algorithms developed to predict the effect of sequence changes on RNA splicing suggest that this variant is not likely to affect RNA splicing. This variant has not been reported in the literature in individuals affected with CLCN7-related conditions. This variant is not present in population databases (gnomAD no frequency). This sequence change falls in intron 8 of the CLCN7 gene. It does not directly change the encoded amino acid sequence of the CLCN7 protein. It affects a nucleotide within the consensus splice site.

Literature cited by the submitters: PubMed 17576681; PubMed 9536098.